The following is an entry in ClinVar:

ClinVar aggregate classification (germline): Benign. Review status: criteria provided, multiple submitters, no conflicts (2 of 4 stars). 2 submissions from 2 submitters: Benign (2). Last evaluated 2018-01-13.

Conditions:
Bartter disease type 4A. Also called: BARTTER SYNDROME, NEONATAL, WITH SENSORINEURAL DEAFNESS; BARTTER SYNDROME, TYPE 4A, NEONATAL, WITH SENSORINEURAL DEAFNESS. Identifiers: Orphanet 112, MedGen C1865270, MONDO:0011242, OMIM 602522.

Allele frequency attached by ClinVar (database versions not stated): gnomAD exomes 0.00201; gnomAD 0.00313 and 0.00322; 1000 Genomes Project 0.00579; 1000 Genomes Project 30x 0.00656; TOPMed 0.00666.

Submissions (2):

Illumina Laboratory Services, Illumina
Classification: Benign for Bartter disease type 4A. Last evaluated: 2018-01-13. Review status: criteria provided, single submitter. Criteria: ICSL Variant Classification Criteria 13 December 2019. Collection method: clinical testing. Allele origin: germline.
Comment: This variant was observed in the ICSL laboratory as part of a predisposition screen in an ostensibly healthy population. It had not been previously curated by ICSL or reported in the Human Gene Mutation Database (HGMD: prior to June 1st, 2018), and was therefore a candidate for classification through an automated scoring system. Utilizing variant allele frequency, disease prevalence and penetrance estimates, and inheritance mode, an automated score was calculated to assess if this variant is too frequent to cause the disease. Based on the score and internal cut-off values, a variant classified as benign is not then subjected to further curation. The score for this variant resulted in a classification of benign for this disease.

Breakthrough Genomics
Classification: Benign. Review status: criteria provided, single submitter. Criteria: ACMG Guidelines, 2015. Collection method: not provided. Allele origin: germline. Inheritance: Autosomal recessive inheritance. Affected: yes.

NM_057176.3(BSND):c.-156G>C

Gene: BSND (barttin CLCNK type accessory subunit beta; plus strand). Cytogenetic location: 1p32.3.
Variant type: single nucleotide variant.
Coding change: c.-156G>C on transcript NM_057176.3 (MANE Select); 156 bases upstream of the start codon, G replaced by C.
Molecular consequence: 5 prime UTR variant.
Genome position (GRCh38, 1-based): chr1:54,999,031, G>C. VCF-style: chr1-54999031-G-C. GRCh37 (hg19) VCF-style: chr1-55464704-G-C.
Identifiers: ClinVar variation 297672 (VCV000297672.6), dbSNP rs183925883, ClinGen allele CA10611399.
Genomic context (GRCh38, chr1:54,999,031, plus strand): 5'-GTGTGGGTCCGTTGAAGCGAGCCGCCTCCAGCCCTGTTGAACTGGTGGGCCCAGGGACTG[G>C]AGCGGGATTGAAAGGGATCTTGCTCTCCCTTGAAGCCTTGAGTTGCAGCGATTTCAGTGT-3'